The following is an entry in ClinVar:

NM_000384.3(APOB):c.751G>A (p.Ala251Thr)

Gene: APOB (apolipoprotein B; minus strand). Cytogenetic location: 2p24.1.
Variant type: single nucleotide variant.
Coding change: c.751G>A on transcript NM_000384.3 (MANE Select); coding-DNA position 751, G replaced by A.
Protein change: p.Ala251Thr; replaces alanine 251 with threonine.
Molecular consequence: missense variant.
Genome position (GRCh38, 1-based): chr2:21,035,651, C>T on the plus strand (G>A on the coding strand, the complement: APOB is on the minus strand). VCF-style: chr2-21035651-C-T. GRCh37 (hg19) VCF-style: chr2-21258523-C-T.
Other names: short protein forms A251T.
Identifiers: ClinVar variation 412948 (VCV000412948.63), dbSNP rs61741625, ClinGen allele CA064460.

ClinVar aggregate classification (germline): Benign/Likely benign. Review status: criteria provided, multiple submitters, no conflicts (2 of 4 stars). 11 submissions from 11 submitters: Benign (3); Likely benign (7). 1 of the submissions does not count toward it. Last evaluated 2026-03-27.

Conditions:
APOB-related disorder. Also called: APOB-related condition; APOB-related disorders.
Cardiovascular phenotype. Identifiers: MedGen CN230736.
Familial hypobetalipoproteinemia 1. Also called: Hypobetalipoproteinemia, normotriglyceridemic; Acanthocytosis with hypobetalipoproteinemia; APOB-Related Familial Hypobetalipoproteinemia. Identifiers: MedGen C4551990, MONDO:0014252, OMIM 615558.
Hypercholesterolemia, autosomal dominant, type B (FHCL2). Also called: APOB-Related Familial Hypercholesterolemia, Autosomal Dominant; APOLIPOPROTEIN B-100, FAMILIAL DEFECTIVE; APOLIPOPROTEIN B-100, FAMILIAL LIGAND-DEFECTIVE; Familial hypercholesterolemia 2; Familial Hypercholesterolemia Type B; Hyperlipoproteinemia Type IIb. Identifiers: MedGen C1704417, MONDO:0007751, OMIM 144010.
Familial hypercholesterolemia. Also called: Familial hypercholesterolaemia; Familial hypercholesterolemias. Identifiers: MedGen C0020445, MONDO:0005439.

Allele frequency attached by ClinVar (database versions not stated): gnomAD exomes 0.00025 and 0.00054; ExAC 0.00069; gnomAD 0.00182 and 0.00190; TOPMed 0.00208; 1000 Genomes Project 30x 0.00219; 1000 Genomes Project 0.00260; ESP Exome Variant Server 0.00261.
gnomAD v4.1: 688 of 1,614,078 alleles (0.043%); highest among the groups gnomAD compares: African/African-American, 0.73%; 2 homozygotes.

Submissions (11):

Molecular Diagnostic Laboratory for Inherited Cardiovascular Disease, Montreal Heart Institute
Classification: Likely benign. Last evaluated: 2026-03-27. Review status: criteria provided, single submitter. Criteria: ACMG Guidelines, 2015. Collection method: clinical testing. Allele origin: germline. Affected: no.
Comment: BS1;BP4

Labcorp Genetics (formerly Invitae), Labcorp
Classification: Benign for Familial hypobetalipoproteinemia 1; Hypercholesterolemia, autosomal dominant, type B. Last evaluated: 2026-02-03. Review status: criteria provided, single submitter. Criteria: Invitae Variant Classification Sherloc (09022015). Collection method: clinical testing. Allele origin: germline.

Blueprint Genetics
Classification: Likely benign. Last evaluated: 2024-11-18. Review status: criteria provided, single submitter. Criteria: ACMG Guidelines, 2015. Collection method: clinical testing. Allele origin: germline.

GENinCode PLC
Classification: Benign for Familial hypercholesterolemia. Last evaluated: 2024-05-03. Review status: criteria provided, single submitter. Criteria: ACMG Guidelines, 2015. Collection method: clinical testing. Allele origin: germline.

Quest Diagnostics Nichols Institute San Juan Capistrano
Classification: Benign. Last evaluated: 2023-07-26. Review status: criteria provided, single submitter. Criteria: Quest Diagnostics criteria. Collection method: clinical testing. Allele origin: unknown.

CeGaT Center for Human Genetics Tuebingen
Classification: Likely benign. Last evaluated: 2020-02-01. Review status: criteria provided, single submitter. Criteria: CeGaT Center For Human Genetics Tuebingen Variant Classification Criteria Version 2. Collection method: clinical testing. Allele origin: germline. Affected: yes. Observed: 1 variant allele.

GeneDx
Classification: Likely benign. Last evaluated: 2019-11-01. Review status: criteria provided, single submitter. Criteria: GeneDx Variant Classification Process June 2021. Collection method: clinical testing. Allele origin: germline. Affected: yes.

Color Diagnostics, LLC DBA Color Health
Classification: Likely benign for Familial hypercholesterolemias. Last evaluated: 2018-01-05. Review status: criteria provided, single submitter. Criteria: ACMG Guidelines, 2015. Collection method: clinical testing. Allele origin: germline.

Eurofins Ntd Llc (ga)
Classification: Likely benign. Last evaluated: 2017-11-17. Review status: criteria provided, single submitter. Criteria: EGL Classification Definitions 2015. Collection method: clinical testing. Allele origin: germline. Observed: 1 variant allele, 1 heterozygote.

Ambry Genetics
Classification: Likely benign for Cardiovascular phenotype. Last evaluated: 2017-09-14. Review status: criteria provided, single submitter. Criteria: Ambry Variant Classification Scheme 2023. Collection method: clinical testing. Allele origin: germline.

PreventionGenetics, part of Exact Sciences
Classification: Likely benign for APOB-related condition. Last evaluated: 2023-06-14. Review status: no assertion criteria provided. Collection method: clinical testing. Allele origin: germline. Not counted in ClinVar's aggregate classification.
Comment: This variant is classified as likely benign based on ACMG/AMP sequence variant interpretation guidelines (Richards et al. 2015 PMID: 25741868, with internal and published modifications).

Literature cited by the submitters: PubMed 27206948 (cited by Ambry Genetics).